The following is an entry in ClinVar:

NM_000117.3(EMD):c.343A>T (p.Arg115Trp)

Gene: EMD (emerin; plus strand). Cytogenetic location: Xq28.
Variant type: single nucleotide variant.
Coding change: c.343A>T on transcript NM_000117.3 (MANE Select); coding-DNA position 343, A replaced by T.
Protein change: p.Arg115Trp; replaces arginine 115 with tryptophan.
Molecular consequence: missense variant.
Genome position (GRCh38, 1-based): chrX:154,380,311, A>T. VCF-style: chrX-154380311-A-T. GRCh37 (hg19) VCF-style: chrX-153608671-A-T.
Other names: short protein forms R115W.
Identifiers: ClinVar variation 1015589 (VCV001015589.9), dbSNP rs2067879939, ClinGen allele CA415257955.

ClinVar aggregate classification (germline): Uncertain significance (1 of 4 stars; one submission).

Conditions:
X-linked Emery-Dreifuss muscular dystrophy. Also called: Muscular dystrophy, tardive Emery-Dreifuss type, with contractures. Identifiers: Orphanet 261, Orphanet 98863, MedGen C0751337, MONDO:0010680.

Submission:

Labcorp Genetics (formerly Invitae), Labcorp
Classification: Uncertain significance for X-linked Emery-Dreifuss muscular dystrophy. Last evaluated: 2022-09-27. Review status: criteria provided, single submitter. Criteria: Invitae Variant Classification Sherloc (09022015). Collection method: clinical testing. Allele origin: germline.
Comment: This sequence change replaces arginine, which is basic and polar, with tryptophan, which is neutral and slightly polar, at codon 115 of the EMD protein (p.Arg115Trp). This variant is not present in population databases (gnomAD no frequency). This variant has not been reported in the literature in individuals affected with EMD-related conditions. ClinVar contains an entry for this variant (Variation ID: 1015589). Advanced modeling of protein sequence and biophysical properties (such as structural, functional, and spatial information, amino acid conservation, physicochemical variation, residue mobility, and thermodynamic stability) performed at Invitae indicates that this missense variant is not expected to disrupt EMD protein function. In summary, the available evidence is currently insufficient to determine the role of this variant in disease. Therefore, it has been classified as a Variant of Uncertain Significance.